The following is an entry in ClinVar:

NM_024580.6(EFL1):c.2751A>C (p.Glu917Asp)

Gene: EFL1 (elongation factor like GTPase 1; minus strand). Cytogenetic location: 15q25.2.
Variant type: single nucleotide variant.
Coding change: c.2751A>C on transcript NM_024580.6 (MANE Select); coding-DNA position 2751, A replaced by C.
Protein change: p.Glu917Asp; replaces glutamic acid 917 with aspartic acid.
Molecular consequence: missense variant. On other transcripts: non-coding transcript variant (1).
Genome position (GRCh38, 1-based): chr15:82,151,703, T>G on the plus strand (A>C on the coding strand, the complement: EFL1 is on the minus strand). VCF-style: chr15-82151703-T-G. GRCh37 (hg19) VCF-style: chr15-82444044-T-G.
Other names: c.2598A>C, p.Glu866Asp (NM_001040610.3); c.1962A>C, p.Glu654Asp (NM_001322844.2); c.2751A>C, p.Glu917Asp (NM_001322845.2); short protein forms E866D, E917D, E654D.
Identifiers: ClinVar variation 1522856 (VCV001522856.7), dbSNP rs2141228197, ClinGen allele CA393286698.
Genomic context (GRCh38, chr15:82,151,703, plus strand): 5'-GGCCTCAGAGCAGCCATCTTGTAGCTCTTGGTTTTCATTTCCACCAGAACAGGTTTCATT[T>G]TCCTCCTGTCCCTCTTTTGCCAGATCACTTGCTCCTTGTTCCTCAAATTTACTTAGGTCC-3'
Protein context (NP_078856.4, residues 907-927): ASDLAKEGQE[Glu917Asp]NETCSGGNEN

ClinVar aggregate classification (germline): Uncertain significance (1 of 4 stars; one submission).

Submission:

Labcorp Genetics (formerly Invitae), Labcorp
Classification: Uncertain significance. Last evaluated: 2022-09-02. Review status: criteria provided, single submitter. Criteria: Invitae Variant Classification Sherloc (09022015). Collection method: clinical testing. Allele origin: germline.
Comment: In summary, the available evidence is currently insufficient to determine the role of this variant in disease. Therefore, it has been classified as a Variant of Uncertain Significance. Algorithms developed to predict the effect of missense changes on protein structure and function (SIFT, PolyPhen-2, Align-GVGD) all suggest that this variant is likely to be tolerated. ClinVar contains an entry for this variant (Variation ID: 1522856). This variant has not been reported in the literature in individuals affected with EFL1-related conditions. This variant is not present in population databases (gnomAD no frequency). This sequence change replaces glutamic acid, which is acidic and polar, with aspartic acid, which is acidic and polar, at codon 917 of the EFL1 protein (p.Glu917Asp).